The following is an entry in ClinVar:

ClinVar aggregate classification (germline): Likely benign (1 of 4 stars; one submission).

Submission:

CeGaT Center for Human Genetics Tuebingen
Classification: Likely benign. Last evaluated: 2023-03-01. Review status: criteria provided, single submitter. Criteria: CeGaT Center For Human Genetics Tuebingen Variant Classification Criteria Version 2. Collection method: clinical testing. Allele origin: germline. Affected: yes. Observed: 1 variant allele.
Comment: CEP250: PM2:Supporting, BP4, BP7

NM_007186.6(CEP250):c.1935C>A (p.Val645=)

Genes: CEP250 (centrosomal protein 250; plus strand), CEP250-AS1 (CEP250 antisense RNA 1; minus strand). Cytogenetic location: 20q11.22.
Variant type: single nucleotide variant.
Coding change: c.1935C>A on transcript NM_007186.6 (MANE Select); coding-DNA position 1935, C replaced by A.
Protein change: p.Val645=; no amino-acid change (valine 645 retained).
Molecular consequence: synonymous variant. On other transcripts: non-coding transcript variant (2).
Genome position (GRCh38, 1-based): chr20:35,477,942, C>A. VCF-style: chr20-35477942-C-A. GRCh37 (hg19) VCF-style: chr20-34065767-C-A.
Other names: c.39C>A, p.Val13= (NM_001318219.1).
Identifiers: ClinVar variation 2652282 (VCV002652282.24), dbSNP rs370009858, ClinGen allele CA510320541.